The following is an entry in ClinVar:

ClinVar aggregate classification (germline): Pathogenic (1 of 4 stars; one submission).

Conditions:
Autosomal dominant Alport syndrome (ATS3A). Also called: ALPORT SYNDROME 3A, AUTOSOMAL DOMINANT; Alport syndrome dominant type; Renal failure and sensorineural hearing loss. Identifiers: Orphanet 63, Orphanet 88918, MedGen C5882663, MONDO:0007086, OMIM 104200.

Submission:

Precision Medicine Center, Zhengzhou University
Classification: Pathogenic for Autosomal dominant Alport syndrome. Review status: criteria provided, single submitter. Criteria: ACMG Guidelines, 2015. Collection method: research. Allele origin: germline. Affected: yes.
Comment: PVS1:Null variant in the gene with established LOF as a disease mechanism PM2:not found in gnomAD PP3:Multiple lines of computational evidence support a deleterious effect on the gene or gene product

NM_000091.5(COL4A3):c.600_603dup (p.Phe202fs)

Genes: MFF-DT (MFF divergent transcript; minus strand), COL4A3 (collagen type IV alpha 3 chain; plus strand). Cytogenetic location: 2q36.3.
Variant type: Duplication.
Coding change: c.600_603dup on transcript NM_000091.5 (MANE Select); coding-DNA positions 600 to 603, 4 bases duplicated (GGGA; older notation c.600_603dupGGGA).
Protein change: p.Phe202fs; shifts the reading frame from phenylalanine 202.
Molecular consequence: frameshift variant.
Genome position (GRCh38, 1-based): chr2:227,251,193-227,251,196, GGGA duplicated. VCF-style (leftmost placement, unchanged base first): chr2-227251192-C-CGGGA. GRCh37 (hg19) VCF-style: chr2-228115908-C-CGGGA.
Other names: short protein forms F202fs.
Identifiers: ClinVar variation 1077062 (VCV001077062.1), dbSNP rs2125924714, ClinGen allele CA2499215734.